The following is an entry in ClinVar:

NM_001330624.2(CUL4B):c.28+9G>C

Genes: CUL4B (cullin 4B; minus strand), LOC113845788 (Sharpr-MPRA regulatory region 11856; plus strand). Cytogenetic location: Xq24.
Variant type: single nucleotide variant.
Coding change: c.28+9G>C on transcript NM_001330624.2; 9 bases into the intron after coding-DNA position 28, G replaced by C.
Molecular consequence: intron variant.
Genome position (GRCh38, 1-based): chrX:120,561,363, C>G on the plus strand (G>C on the coding strand, the complement: CUL4B is on the minus strand). VCF-style: chrX-120561363-C-G. GRCh37 (hg19) VCF-style: chrX-119695218-C-G.
Other names: c.68-738G>C (NM_003588.4).
Identifiers: ClinVar variation 3351431 (VCV003351431.1).
Genomic context (GRCh38, chrX:120,561,363, plus strand): 5'-TGGCCCACCGGGAACTCCCACTCCCTCCTTAACGGTCCCGCGGGAAGCTTCGCGCCGCAG[C>G]GCCCTTACCGGAAGTGACTGGGCAGACACTTTTCATAGCGCCCAGATCCCGAAGCCCCCA-3'

ClinVar aggregate classification (germline): Likely benign (0 of 4 stars; one submission).

Conditions:
CUL4B-related disorder. Also called: CUL4B-related condition.

gnomAD v4.1: 9 of 565,968 alleles (0.0016%); highest among the groups gnomAD compares: South Asian, 0.0045%; no homozygotes.

Submission:

PreventionGenetics, part of Exact Sciences
Classification: Likely benign for CUL4B-related condition. Last evaluated: 2023-08-01. Review status: no assertion criteria provided. Collection method: clinical testing. Allele origin: germline.
Comment: This variant is classified as likely benign based on ACMG/AMP sequence variant interpretation guidelines (Richards et al. 2015 PMID: 25741868, with internal and published modifications).